The following is an entry in ClinVar:

NM_006767.4(LZTR1):c.1283C>T (p.Thr428Met)

Gene: LZTR1 (leucine zipper like post translational regulator 1; plus strand). Cytogenetic location: 22q11.21.
Variant type: single nucleotide variant.
Coding change: c.1283C>T on transcript NM_006767.4 (MANE Select); coding-DNA position 1283, C replaced by T.
Protein change: p.Thr428Met; replaces threonine 428 with methionine.
Molecular consequence: missense variant.
Genome position (GRCh38, 1-based): chr22:20,993,684, C>T. VCF-style: chr22-20993684-C-T. GRCh37 (hg19) VCF-style: chr22-21347973-C-T.
Other names: short protein forms T428M.
Identifiers: ClinVar variation 928717 (VCV000928717.13), dbSNP rs1253225013, ClinGen allele CA410774372.

ClinVar aggregate classification (germline): Uncertain significance. Review status: criteria provided, multiple submitters, no conflicts (2 of 4 stars). 5 submissions from 5 submitters: Uncertain significance (5). Last evaluated 2026-01-11.

Conditions:
Hereditary cancer-predisposing syndrome. Also called: Hereditary neoplastic syndrome; Neoplastic Syndromes, Hereditary; Hereditary Cancer Syndrome; Tumor predisposition. Identifiers: Orphanet 140162, MedGen C0027672, MeSH D009386, MONDO:0015356.
Cardiovascular phenotype. Identifiers: MedGen CN230736.
Noonan syndrome and Noonan-related syndrome. Identifiers: Orphanet 98733, MedGen C5681679, MONDO:0020297.

Allele frequency attached by ClinVar (database versions not stated): gnomAD 0.00001; TOPMed 0.00001; gnomAD exomes 0.00001.
gnomAD v4.1: 18 of 1,613,398 alleles (0.0011%); highest among the groups gnomAD compares: East Asian, 0.0022%; no homozygotes.

Submissions (5):

Labcorp Genetics (formerly Invitae), Labcorp
Classification: Uncertain significance. Last evaluated: 2026-01-11. Review status: criteria provided, single submitter. Criteria: Invitae Variant Classification Sherloc (09022015). Collection method: clinical testing. Allele origin: germline.
Comment: This sequence change replaces threonine, which is neutral and polar, with methionine, which is neutral and non-polar, at codon 428 of the LZTR1 protein (p.Thr428Met). This variant is present in population databases (no rsID available, gnomAD 0.03%). This variant has not been reported in the literature in individuals affected with LZTR1-related conditions. ClinVar contains an entry for this variant (Variation ID: 928717). Invitae Evidence Modeling of protein sequence and biophysical properties (such as structural, functional, and spatial information, amino acid conservation, physicochemical variation, residue mobility, and thermodynamic stability) indicates that this missense variant is not expected to disrupt LZTR1 protein function with a negative predictive value of 80%. In summary, the available evidence is currently insufficient to determine the role of this variant in disease. Therefore, it has been classified as a Variant of Uncertain Significance.

Ambry Genetics
Classification: Uncertain significance for Cardiovascular phenotype; Hereditary cancer-predisposing syndrome. Last evaluated: 2025-04-21. Review status: criteria provided, single submitter. Criteria: Ambry Variant Classification Scheme 2023. Collection method: clinical testing. Allele origin: germline.
Comment: The p.T428M variant (also known as c.1283C>T), located in coding exon 12 of the LZTR1 gene, results from a C to T substitution at nucleotide position 1283. The threonine at codon 428 is replaced by methionine, an amino acid with similar properties. This amino acid position is highly conserved in available vertebrate species. In addition, the in silico prediction for this alteration is inconclusive. Since supporting evidence is limited at this time, the clinical significance of this alteration remains unclear.

Blueprint Genetics
Classification: Uncertain significance. Last evaluated: 2023-04-20. Review status: criteria provided, single submitter. Criteria: ACMG Guidelines, 2015. Collection method: clinical testing. Allele origin: germline.

Genome Diagnostics Laboratory, The Hospital for Sick Children
Classification: Uncertain significance for Noonan syndrome and Noonan-related syndrome. Last evaluated: 2020-05-01. Review status: criteria provided, single submitter. Criteria: ACMG Guidelines, 2015. Collection method: clinical testing. Allele origin: germline.

Women's Health and Genetics/Laboratory Corporation of America, LabCorp
Classification: Uncertain significance. Last evaluated: 2019-12-30. Review status: criteria provided, single submitter. Criteria: LabCorp Variant Classification Summary - May 2015. Collection method: clinical testing. Allele origin: germline.
Comment: Variant summary: LZTR1 c.1283C>T (p.Thr428Met) results in a non-conservative amino acid change in the encoded protein sequence. Four of five in-silico tools predict a damaging effect of the variant on protein function. The variant allele was found at a frequency of 3.6e-06 in 281202 control chromosomes (gnomAD). The available data on variant occurrences in the general population are insufficient to allow any conclusion about variant significance. To our knowledge, no occurrence of c.1283C>T in individuals affected with Noonan Syndrome and Related Conditions and no experimental evidence demonstrating its impact on protein function have been reported. No clinical diagnostic laboratories have submitted clinical-significance assessments for this variant to ClinVar after 2014. Based on the evidence outlined above, the variant was classified as uncertain significance.